The following is an entry in ClinVar:

ClinVar aggregate classification (germline): Pathogenic (1 of 4 stars; one submission).

Conditions:
Pheochromocytoma. Also called: MAX-Related Hereditary Paraganglioma-Pheochromocytoma Syndrome. Identifiers: Orphanet 29072, MedGen C0031511, MONDO:0008233, OMIM 171300, HP:0002666.
Carney-Stratakis syndrome. Also called: PARAGANGLIOMA AND GASTROINTESTINAL STROMAL TUMOR. Identifiers: Orphanet 97286, MedGen C1847319, MONDO:0011740, OMIM 606864.
Cowden syndrome 3 (CWS3). Identifiers: Orphanet 201, MedGen CN166604, MONDO:0014045.
Paragangliomas with sensorineural hearing loss. Identifiers: MedGen C1868633.

Submission:

Labcorp Genetics (formerly Invitae), Labcorp
Classification: Pathogenic for Carney-Stratakis syndrome; Paragangliomas with sensorineural hearing loss; Pheochromocytoma; Cowden syndrome 3. Last evaluated: 2025-04-29. Review status: criteria provided, single submitter. Criteria: Invitae Variant Classification Sherloc (09022015). Collection method: clinical testing. Allele origin: germline.
Comment: This sequence change creates a premature translational stop signal (p.Gly78Valfs*8) in the SDHD gene. It is expected to result in an absent or disrupted protein product. Loss-of-function variants in SDHD are known to be pathogenic (PMID: 19454582, 19802898). This variant is not present in population databases (gnomAD no frequency). This variant has not been reported in the literature in individuals affected with SDHD-related conditions. For these reasons, this variant has been classified as Pathogenic.

Literature cited by the submitters: PubMed 19454582; PubMed 19802898.

NM_003002.4(SDHD):c.233del (p.Gly78fs)

Gene: SDHD (succinate dehydrogenase complex subunit D; plus strand). Cytogenetic location: 11q23.1.
Variant type: Deletion.
Coding change: c.233del on transcript NM_003002.4 (MANE Select); coding-DNA position 233, one base deleted (G; older notation c.233delG).
Protein change: p.Gly78fs; shifts the reading frame from glycine 78.
Molecular consequence: frameshift variant. On other transcripts: non-coding transcript variant (1), intron variant (1).
Genome position (GRCh38, 1-based): chr11:112,088,930, G deleted; the last of 3 consecutive G bases (chr11:112,088,928-112,088,930); deleting any one gives the same sequence. VCF-style (leftmost placement, unchanged base first): chr11-112088927-TG-T. GRCh37 (hg19) VCF-style: chr11-111959651-TG-T.
Other names: c.116del, p.Gly39fs (NM_001276504.2); c.233del, p.Gly78fs (NM_001276506.2); c.169+957del (NM_001276503.2); short protein forms G39fs, G78fs.
Identifiers: ClinVar variation 4784186 (VCV004784186.1).
Genomic context (GRCh38, chr11:112,088,927, plus strand): 5'-CTGGCTCCAAGGCTGCATCTCTCCACTGGACTAGCGAGAGGGTTGTCAGTGTTTTGCTCC[TG>T]GGTCTGCTTCCGGCTGCTTATTTGAATCCTTGCTCTGCGATGGACTATTCCCTGGCTGCA-3'